The following is an entry in ClinVar:

ClinVar aggregate classification (germline): Conflicting classifications of pathogenicity. Review status: criteria provided, conflicting classifications (1 of 4 stars). 2 submissions from 2 submitters: Pathogenic (1); Uncertain significance (1). Last evaluated 2024-01-24.

Conditions:
Spastic paraplegia. Identifiers: MedGen C0037772, HP:0001258.

Allele frequency attached by ClinVar (database versions not stated): TOPMed below 0.00001; gnomAD 0.00001.
gnomAD v4.1: 3 of 1,613,890 alleles (0.00019%); highest among the groups gnomAD compares: East Asian, 0.0022%; no homozygotes.

Submissions (2):

Labcorp Genetics (formerly Invitae), Labcorp
Classification: Pathogenic for Spastic paraplegia. Last evaluated: 2024-01-24. Review status: criteria provided, single submitter. Criteria: Invitae Variant Classification Sherloc (09022015). Collection method: clinical testing. Allele origin: germline.
Comment: This sequence change creates a premature translational stop signal (p.Arg588*) in the KIF5A gene. It is expected to result in an absent or disrupted protein product. Loss-of-function variants in KIF5A are known to be pathogenic (PMID: 26374131). This variant is not present in population databases (gnomAD no frequency). This premature translational stop signal has been observed in individual(s) with clinical features of hereditary spastic paraplegia (Invitae). ClinVar contains an entry for this variant (Variation ID: 504178). For these reasons, this variant has been classified as Pathogenic.

GeneDx
Classification: Uncertain significance. Last evaluated: 2018-02-01. Review status: criteria provided, single submitter. Criteria: GeneDx Variant Classification (06012015). Collection method: clinical testing. Allele origin: germline. Affected: yes.
Comment: The R588X variant in the KIF5A gene has not been reported previously as a pathogenic variant nor as a benign variant, to our knowledge. This variant is predicted to cause loss of normal protein function either through protein truncation or nonsense-mediated mRNA decay. The R588X variant is not observed in large population cohorts (Lek et al., 2016). We interpret R588X as a variant of uncertain significance

Literature cited by the submitters: PubMed 26374131 (cited by Labcorp Genetics (formerly Invitae), Labcorp).

NM_004984.4(KIF5A):c.1762C>T (p.Arg588Ter)

Gene: KIF5A (kinesin family member 5A; plus strand). Cytogenetic location: 12q13.3.
Variant type: single nucleotide variant.
Coding change: c.1762C>T on transcript NM_004984.4 (MANE Select); coding-DNA position 1762, C replaced by T.
Protein change: p.Arg588Ter; replaces arginine 588 with a stop codon.
Molecular consequence: nonsense.
Genome position (GRCh38, 1-based): chr12:57,575,129, C>T. VCF-style: chr12-57575129-C-T. GRCh37 (hg19) VCF-style: chr12-57968912-C-T.
Other names: c.1495C>T, p.Arg499Ter (NM_001354705.2); short protein forms R588*, R499*.
Identifiers: ClinVar variation 504178 (VCV000504178.10), dbSNP rs1555178348, ClinGen allele CA385508959.